The following is an entry in ClinVar:

ClinVar aggregate classification (germline): Benign (1 of 4 stars; one submission).

Conditions:
Episodic ataxia type 1 (EA1). Also called: ATAXIA, EPISODIC, WITH MYOKYMIA; MYOKYMIA WITH PERIODIC ATAXIA; PAROXYSMAL ATAXIA WITH NEUROMYOTONIA, HEREDITARY; Episodic ataxia/myokymia syndrome. Identifiers: Orphanet 37612, Orphanet 972, MedGen C1719788, MONDO:0008047, OMIM 160120.

Allele frequency attached by ClinVar (database versions not stated): gnomAD 0.03186; 1000 Genomes Project 0.03714; TOPMed 0.03756; 1000 Genomes Project 30x 0.03919.

Submission:

Illumina Laboratory Services, Illumina
Classification: Benign for Episodic ataxia type 1. Last evaluated: 2018-01-13. Review status: criteria provided, single submitter. Criteria: ICSL Variant Classification Criteria 13 December 2019. Collection method: clinical testing. Allele origin: germline.
Comment: This variant was observed in the ICSL laboratory as part of a predisposition screen in an ostensibly healthy population. It had not been previously curated by ICSL or reported in the Human Gene Mutation Database (HGMD: prior to June 1st, 2018), and was therefore a candidate for classification through an automated scoring system. Utilizing variant allele frequency, disease prevalence and penetrance estimates, and inheritance mode, an automated score was calculated to assess if this variant is too frequent to cause the disease. Based on the score and internal cut-off values, a variant classified as benign is not then subjected to further curation. The score for this variant resulted in a classification of benign for this disease.

NM_000217.3(KCNA1):c.-731C>G

Gene: KCNA1 (potassium voltage-gated channel subfamily A member 1; plus strand). Cytogenetic location: 12p13.32.
Variant type: single nucleotide variant.
Coding change: c.-731C>G on transcript NM_000217.3 (MANE Select); 731 bases upstream of the start codon, C replaced by G.
Molecular consequence: 5 prime UTR variant.
Genome position (GRCh38, 1-based): chr12:4,910,281, C>G. VCF-style: chr12-4910281-C-G. GRCh37 (hg19) VCF-style: chr12-5019447-C-G.
Identifiers: ClinVar variation 309129 (VCV000309129.6), dbSNP rs74058081, ClinGen allele CA10641541.
Genomic context (GRCh38, chr12:4,910,281, plus strand): 5'-AGGTTGCTGGCAACCGGTGAGAATGGGGGTAGGGAAGGAACATTTTCGCCGTAGCTGCTC[C>G]GTAAAGCGATTGTCCAACTGAGAGGGGCGTCGGACGAGTGGACCAGGGCGGCGAGTTTGC-3'